The following is an entry in ClinVar:

ClinVar aggregate classification (germline): Benign. Review status: criteria provided, multiple submitters, no conflicts (2 of 4 stars). 3 submissions from 3 submitters: Benign (2). 1 of the submissions does not count toward it. Last evaluated 2018-03-14.

Conditions:
Tramadol response. Also called: Ultram response. Identifiers: MedGen CN078023.

Allele frequency attached by ClinVar (database versions not stated): gnomAD exomes 0.17805 and 0.18913; ExAC 0.18131; 1000 Genomes Project 0.21565; 1000 Genomes Project 30x 0.22299; gnomAD 0.22451 and 0.23041; TOPMed 0.23064; ESP Exome Variant Server 0.24662.
gnomAD v4.1: 307,361 of 1,594,280 alleles (19%); highest among the groups gnomAD compares: African/African-American, 35%; 31,840 homozygotes.

Submissions (3):

GeneDx
Classification: Benign. Last evaluated: 2018-03-14. Review status: criteria provided, single submitter. Criteria: GeneDx Variant Classification (06012015). Collection method: clinical testing. Allele origin: germline. Affected: yes.
Comment: This variant is considered likely benign or benign based on one or more of the following criteria: it is a conservative change, it occurs at a poorly conserved position in the protein, it is predicted to be benign by multiple in silico algorithms, and/or has population frequency not consistent with disease.

Breakthrough Genomics
Classification: Benign. Review status: criteria provided, single submitter. Criteria: ACMG Guidelines, 2015. Collection method: not provided. Allele origin: germline. Inheritance: Unknown mechanism. Affected: yes.

Bruce Budowle Laboratory, University of North Texas Health Science Center
Classification: drug response for Tramadol response. Last evaluated: 2018-04-28. Review status: no assertion criteria provided. Collection method: research. Allele origin: somatic. Affected: yes. Observed: 199 variant alleles. Not counted in ClinVar's aggregate classification.

NM_001348946.2(ABCB1):c.287-25G>T

Gene: ABCB1 (ATP binding cassette subfamily B member 1; minus strand). Cytogenetic location: 7q21.12.
Variant type: single nucleotide variant.
Coding change: c.287-25G>T on transcript NM_001348946.2 (MANE Select); 25 bases into the intron before coding-DNA position 287, G replaced by T.
Molecular consequence: intron variant.
Genome position (GRCh38, 1-based): chr7:87,570,248, C>A on the plus strand (G>T on the coding strand, the complement: ABCB1 is on the minus strand). VCF-style: chr7-87570248-C-A. GRCh37 (hg19) VCF-style: chr7-87199564-C-A.
Other names: c.287-25G>T (NM_001348944.2, NM_000927.5); c.497-25G>T (NM_001348945.2).
Identifiers: ClinVar variation 675797 (VCV000675797.4), dbSNP rs2235015, ClinGen allele CA4328634.